The following is an entry in ClinVar:

ClinVar aggregate classification (germline): Conflicting classifications of pathogenicity. Review status: criteria provided, conflicting classifications (1 of 4 stars). 4 submissions from 4 submitters: Likely pathogenic (2); Uncertain significance (2). Last evaluated 2025-09-06.

Conditions:
Nephronophthisis-like nephropathy 1 (NPHPL1). Identifiers: Orphanet 655, MedGen C3150419, MONDO:0013163, OMIM 613159.
XPNPEP3-related disorder. Also called: XPNPEP3-related condition.

Allele frequency attached by ClinVar (database versions not stated): ExAC 0.00002; gnomAD exomes 0.00003 and 0.00007; TOPMed 0.00003; gnomAD 0.00005; ESP Exome Variant Server 0.00015.
gnomAD v4.1: 100 of 1,613,948 alleles (0.0062%); highest among the groups gnomAD compares: Non-Finnish European, 0.0082%; no homozygotes.

Submissions (4):

PreventionGenetics, part of Exact Sciences
Classification: Uncertain significance for XPNPEP3-related condition. Last evaluated: 2025-09-06. Review status: criteria provided, single submitter. Criteria: ACMG Guidelines, 2015. Collection method: clinical testing. Allele origin: germline.
Comment: The XPNPEP3 c.856-2A>G variant is predicted to disrupt the AG splice acceptor site and interfere with normal splicing. To our knowledge, this variant has not been reported in the literature. This variant is reported in 0.0070% of alleles in individuals of European (Non-Finnish) descent in gnomAD. Variants that disrupt the consensus splice acceptor site in XPNPEP3 are expected to be pathogenic. This variant is interpreted as likely pathogenic.

Women's Health and Genetics/Laboratory Corporation of America, LabCorp
Classification: Likely pathogenic for Nephronophthisis-like nephropathy 1. Last evaluated: 2024-12-04. Review status: criteria provided, single submitter. Criteria: LabCorp Variant Classification Summary - May 2015. Collection method: clinical testing. Allele origin: germline.
Comment: Variant summary: XPNPEP3 c.856-2A>G is located in a canonical splice-site and is predicted to affect mRNA splicing resulting in a significantly altered protein due to either exon skipping, shortening, or inclusion of intronic material. Variants that disrupt the consensus splice site are a relatively common cause of aberrant splicing and loss of XPNPEP3 function. Several computational tools predict a significant impact on normal splicing: Four predict the variant abolishes a canonical 3' acceptor site. However, these predictions have yet to be confirmed by functional studies. The variant allele was found at a frequency of 2.8e-05 in 251490 control chromosomes (gnomAD). To our knowledge, no occurrence of c.856-2A>G in individuals affected with Nephronophthisis-Like Nephropathy 1 and no experimental evidence demonstrating its impact on protein function have been reported. ClinVar contains an entry for this variant (Variation ID: 632390). Based on the evidence outlined above, the variant was classified as likely pathogenic.

GeneDx
Classification: Uncertain significance. Last evaluated: 2023-03-13. Review status: criteria provided, single submitter. Criteria: GeneDx Variant Classification Process June 2021. Collection method: clinical testing. Allele origin: germline. Affected: yes.
Comment: Identified in a patient with RCC I deficiency in published literature (Herzer et al., 2013); Canonical splice site variant in a gene or region of a gene for which loss of function is not a well-established mechanism of disease; Variants in candidate genes are classified as variants of uncertain significance in accordance with ACMG guidelines (Richards et al., 2015); This variant is associated with the following publications: (PMID: Herzer[thesis]2013)

Labcorp Genetics (formerly Invitae), Labcorp
Classification: Likely pathogenic for Nephronophthisis-like nephropathy 1. Last evaluated: 2022-09-14. Review status: criteria provided, single submitter. Criteria: Invitae Variant Classification Sherloc (09022015). Collection method: clinical testing. Allele origin: germline.
Comment: In summary, the currently available evidence indicates that the variant is pathogenic, but additional data are needed to prove that conclusively. Therefore, this variant has been classified as Likely Pathogenic. Algorithms developed to predict the effect of sequence changes on RNA splicing suggest that this variant may disrupt the consensus splice site. ClinVar contains an entry for this variant (Variation ID: 632390). This variant has not been reported in the literature in individuals affected with XPNPEP3-related conditions. This variant is present in population databases (rs149609214, gnomAD 0.007%). This sequence change affects an acceptor splice site in intron 5 of the XPNPEP3 gene. It is expected to disrupt RNA splicing. Variants that disrupt the donor or acceptor splice site typically lead to a loss of protein function (PMID: 16199547), and loss-of-function variants in XPNPEP3 are known to be pathogenic (PMID: 20179356).

Literature cited by the submitters: PubMed 16199547 (cited by Labcorp Genetics (formerly Invitae), Labcorp); PubMed 20179356 (cited by Labcorp Genetics (formerly Invitae), Labcorp).

NM_022098.4(XPNPEP3):c.856-2A>G

Gene: XPNPEP3 (X-prolyl aminopeptidase 3; plus strand). Cytogenetic location: 22q13.2.
Variant type: single nucleotide variant.
Coding change: c.856-2A>G on transcript NM_022098.4 (MANE Select); the canonical splice acceptor site of the intron before coding-DNA position 856, A replaced by G.
Molecular consequence: splice acceptor variant.
Genome position (GRCh38, 1-based): chr22:40,909,120, A>G. VCF-style: chr22-40909120-A-G. GRCh37 (hg19) VCF-style: chr22-41305124-A-G.
Identifiers: ClinVar variation 632390 (VCV000632390.11), dbSNP rs149609214, ClinGen allele CA10251788.
Genomic context (GRCh38, chr22:40,909,120, plus strand): 5'-GAGCTTGGGCTGGGGCAGCCCTACAGAAACCCTTTGTCATACCTTGCTGTTGTTTTTCAC[A>G]GTTTGAATTTGAATGCCGGGCTCGTGGCGCAGACATTTTAGCCTATCCACCTGTGGTGGC-3'